The following is an entry in ClinVar:

NM_003482.4(KMT2D):c.11202GCA[8] (p.Gln3745dup)

Gene: KMT2D (lysine methyltransferase 2D; minus strand). Cytogenetic location: 12q13.12.
Variant type: Microsatellite.
Coding change: c.11202GCA[8] on transcript NM_003482.4 (MANE Select); eight copies in a row of the 3-base unit GCA starting at c.11202; the reference has seven copies in a row; one copy, 3 bases duplicated.
Protein change: p.Gln3745dup; duplicates glutamine 3745.
Molecular consequence: inframe insertion.
Genome position (GRCh38, 1-based): chr12:49,033,483-49,033,485, TGC duplicated on the plus strand (GCA on the coding strand, the reverse complement: KMT2D is on the minus strand); duplicating any 3 consecutive bases within chr12:49,033,483-49,033,503 gives the same sequence; the position shown is the placement nearest the transcript's 3' end. VCF-style (leftmost placement, unchanged base first): chr12-49033482-T-TTGC. GRCh37 (hg19) VCF-style: chr12-49427265-T-TTGC.
Other names: c.11220_11222dupGCA (NM_003482.3).
Identifiers: ClinVar variation 94150 (VCV000094150.60), dbSNP rs398123707, ClinGen allele CA147661.

ClinVar aggregate classification (germline): Benign/Likely benign. Review status: criteria provided, multiple submitters, no conflicts (2 of 4 stars). 13 submissions from 13 submitters: Benign (5); Likely benign (5). 3 of the submissions do not count toward it. Last evaluated 2026-08-01.

Conditions:
Inborn genetic diseases. Identifiers: MedGen C0950123, MeSH D030342.
Kabuki syndrome. Also called: NIIKAWA-KUROKI SYNDROME; Kabuki make-up syndrome. Identifiers: Orphanet 2322, MedGen C0796004, MONDO:0016512.
Kabuki syndrome 1 (KABUK1). Also called: KMT2D-Related Kabuki Syndrome. Identifiers: Orphanet 2322, MedGen CN030661, MONDO:0007843, OMIM 147920.

Submissions (13):

CeGaT Center for Human Genetics Tuebingen
Classification: Benign. Last evaluated: 2026-08-01. Review status: criteria provided, single submitter. Criteria: CeGaT Center For Human Genetics Tuebingen Variant Classification Criteria Version 2. Collection method: clinical testing. Allele origin: germline. Affected: yes. Observed: 37 variant alleles.
Comment: KMT2D: BS1, BS2

Labcorp Genetics (formerly Invitae), Labcorp
Classification: Likely benign for Kabuki syndrome. Last evaluated: 2026-02-01. Review status: criteria provided, single submitter. Criteria: Invitae Variant Classification Sherloc (09022015). Collection method: clinical testing. Allele origin: germline.

ARUP Laboratories, Molecular Genetics and Genomics, ARUP Laboratories
Classification: Likely benign. Last evaluated: 2025-05-06. Review status: criteria provided, single submitter. Criteria: ARUP Molecular Germline Variant Investigation Process 2024. Collection method: clinical testing. Allele origin: germline.

Ambry Genetics
Classification: Likely benign for Inborn genetic diseases. Last evaluated: 2025-03-17. Review status: criteria provided, single submitter. Criteria: Ambry Variant Classification Scheme 2023. Collection method: clinical testing. Allele origin: germline.

Laboratory of Genetics, Children's Clinical University Hospital Latvia
Classification: Benign. Last evaluated: 2025-02-16. Review status: criteria provided, single submitter. Criteria: ACMG Guidelines, 2015. Collection method: clinical testing. Allele origin: germline. Affected: yes.

Blueprint Genetics
Classification: Likely benign. Last evaluated: 2024-11-26. Review status: criteria provided, single submitter. Criteria: ACMG Guidelines, 2015. Collection method: clinical testing. Allele origin: germline.

GeneDx
Classification: Benign. Last evaluated: 2020-11-17. Review status: criteria provided, single submitter. Criteria: GeneDx Variant Classification Process June 2021. Collection method: clinical testing. Allele origin: germline. Affected: yes.
Comment: This variant is associated with the following publications: (PMID: 30107592, 27302555, 23757202)

Genetic Services Laboratory, University of Chicago
Classification: Benign. Last evaluated: 2019-08-08. Review status: criteria provided, single submitter. Criteria: ACMG Guidelines, 2015. Collection method: clinical testing. Allele origin: germline. Affected: no.

Athena Diagnostics
Classification: Benign. Last evaluated: 2018-10-24. Review status: criteria provided, single submitter. Criteria: Athena Diagnostics Criteria. Collection method: clinical testing. Allele origin: germline.

Center for Human Genetics, Inc
Classification: Likely benign for Kabuki syndrome 1. Last evaluated: 2016-11-01. Review status: criteria provided, single submitter. Criteria: ACMG Guidelines, 2015. Collection method: clinical testing. Allele origin: germline. Affected: yes.

Eurofins Ntd Llc (ga)
Classification: Benign for AllHighlyPenetrant. Last evaluated: 2012-12-19. Review status: no assertion criteria provided. Collection method: clinical testing. Allele origin: germline. Observed: 2 variant alleles, 2 heterozygotes. Not counted in ClinVar's aggregate classification.

Diagnostic Laboratory, Department of Genetics, University Medical Center Groningen
Classification: Likely benign. Review status: no assertion criteria provided. Collection method: clinical testing. Allele origin: germline. Affected: yes. Study: VKGL Data-share Consensus. Not counted in ClinVar's aggregate classification.

Genome Diagnostics Laboratory, University Medical Center Utrecht
Classification: Likely benign. Review status: no assertion criteria provided. Collection method: clinical testing. Allele origin: germline. Affected: yes. Study: VKGL Data-share Consensus. Not counted in ClinVar's aggregate classification.

Literature cited by the submitters: PubMed 30107592 (cited by Athena Diagnostics); PubMed 23757202 (cited by Eurofins Ntd Llc (ga)).